The following is an entry in ClinVar:

NM_001130823.3(DNMT1):c.3523+10C>T

Gene: DNMT1 (DNA methyltransferase 1; minus strand). Cytogenetic location: 19p13.2.
Variant type: single nucleotide variant.
Coding change: c.3523+10C>T on transcript NM_001130823.3 (MANE Select); 10 bases into the intron after coding-DNA position 3523, C replaced by T.
Molecular consequence: intron variant.
Genome position (GRCh38, 1-based): chr19:10,140,771, G>A on the plus strand (C>T on the coding strand, the complement: DNMT1 is on the minus strand). VCF-style: chr19-10140771-G-A. GRCh37 (hg19) VCF-style: chr19-10251447-G-A.
Other names: c.3160+10C>T (NM_001318731.2); c.3475+10C>T (NM_001379.4, NM_001318730.2); c.3523+10C>T (NM_001130823.2).
Identifiers: ClinVar variation 1102319 (VCV001102319.13), dbSNP rs200238302, ClinGen allele CA9187737.

ClinVar aggregate classification (germline): Likely benign. Review status: criteria provided, multiple submitters, no conflicts (2 of 4 stars). 4 submissions from 4 submitters: Likely benign (3). 1 of the submissions does not count toward it. Last evaluated 2026-06-16.

Conditions:
Hereditary sensory neuropathy-deafness-dementia syndrome. Also called: HSN IE; NEUROPATHY, HEREDITARY SENSORY, WITH HEARING LOSS AND DEMENTIA; Hereditary Sensory and Autonomic Neuropathy Type 1E (HSAN1E); Hereditary sensory neuropathy type IE. Identifiers: Orphanet 456318, MedGen C3279885, MONDO:0013584, OMIM 614116.
DNMT1-related disorder. Also called: DNMT1-related condition. Identifiers: MedGen CN381527.

Allele frequency attached by ClinVar (database versions not stated): 1000 Genomes Project 30x 0.00031; gnomAD 0.00001 and 0.00002; ExAC 0.00002; TOPMed 0.00002; 1000 Genomes Project 0.00020.
gnomAD v4.1: 32 of 1,614,010 alleles (0.002%); highest among the groups gnomAD compares: East Asian, 0.0045%; no homozygotes.

Submissions (4):

Women's Health and Genetics/Laboratory Corporation of America, LabCorp
Classification: Likely benign. Last evaluated: 2026-06-16. Review status: criteria provided, single submitter. Criteria: LabCorp Variant Classification Summary - May 2015. Collection method: clinical testing. Allele origin: germline.

Labcorp Genetics (formerly Invitae), Labcorp
Classification: Likely benign for Hereditary sensory neuropathy-deafness-dementia syndrome. Last evaluated: 2025-12-19. Review status: criteria provided, single submitter. Criteria: Invitae Variant Classification Sherloc (09022015). Collection method: clinical testing. Allele origin: germline.

Breakthrough Genomics
Classification: Likely benign. Review status: criteria provided, single submitter. Criteria: ACMG Guidelines, 2015. Collection method: not provided. Allele origin: germline. Inheritance: Autosomal dominant inheritance. Affected: yes.

PreventionGenetics, part of Exact Sciences
Classification: Likely benign for DNMT1-related condition. Last evaluated: 2019-09-17. Review status: no assertion criteria provided. Collection method: clinical testing. Allele origin: germline. Not counted in ClinVar's aggregate classification.
Comment: This variant is classified as likely benign based on ACMG/AMP sequence variant interpretation guidelines (Richards et al. 2015 PMID: 25741868, with internal and published modifications).